The following is an entry in ClinVar:

ClinVar aggregate classification (germline): Likely benign (1 of 4 stars; one submission).

Conditions:
Griscelli syndrome type 2 (GS2). Also called: GRISCELLI SYNDROME WITH HEMOPHAGOCYTIC SYNDROME; PAID SYNDROME; PARTIAL ALBINISM AND IMMUNODEFICIENCY SYNDROME. Identifiers: Orphanet 381, Orphanet 79477, MedGen C1868679, MONDO:0011872, OMIM 607624.

Allele frequency attached by ClinVar (database versions not stated): 1000 Genomes Project 0.00399; 1000 Genomes Project 30x 0.00500; TOPMed 0.00501; gnomAD 0.00511.
gnomAD v4.1: 1,061 of 881,472 alleles (0.12%); highest among the groups gnomAD compares: African/African-American, 1.7%; 12 homozygotes.

Submission:

Illumina Laboratory Services, Illumina
Classification: Likely benign for Griscelli syndrome type 2. Last evaluated: 2018-01-12. Review status: criteria provided, single submitter. Criteria: ICSL Variant Classification Criteria 13 December 2019. Collection method: clinical testing. Allele origin: germline.
Comment: This variant was observed in the ICSL laboratory as part of a predisposition screen in an ostensibly healthy population. It had not been previously curated by ICSL or reported in the Human Gene Mutation Database (HGMD: prior to June 1st, 2018), and was therefore a candidate for classification through an automated scoring system. Utilizing variant allele frequency, disease prevalence and penetrance estimates, and inheritance mode, an automated score was calculated to assess if this variant is too frequent to cause the disease. Based on the score and internal cut-off values, a variant classified as likely benign is not then subjected to further curation. The score for this variant resulted in a classification of likely benign for this disease.

NM_183235.3(RAB27A):c.*132G>A

Gene: RAB27A (RAB27A, member RAS oncogene family; minus strand). Cytogenetic location: 15q21.3.
Variant type: single nucleotide variant.
Coding change: c.*132G>A on transcript NM_183235.3 (MANE Select); 132 bases downstream of the stop codon, G replaced by A.
Molecular consequence: 3 prime UTR variant.
Genome position (GRCh38, 1-based): chr15:55,205,375, C>T on the plus strand (G>A on the coding strand, the complement: RAB27A is on the minus strand). VCF-style: chr15-55205375-C-T. GRCh37 (hg19) VCF-style: chr15-55497573-C-T.
Other names: c.*132G>A (NM_004580.5, NM_183234.3, NM_183236.3).
Identifiers: ClinVar variation 886876 (VCV000886876.4), dbSNP rs77014779, ClinGen allele CA271242112.
Genomic context (GRCh38, chr15:55,205,375, plus strand): 5'-AATCTTAAAGAAATATTTACAAAGCTGCAACAAATTAATTTTAGAACCGGATGCTTTATT[C>T]GTAGGTCTAATGGGGATGGTGAGAAGCAATTTGTACACAATGCCCATTAATCTCTCACTG-3'